The following is an entry in ClinVar:

ClinVar aggregate classification (germline): Uncertain significance (1 of 4 stars; one submission).

Submission:

GeneDx
Classification: Uncertain significance. Last evaluated: 2024-10-03. Review status: criteria provided, single submitter. Criteria: GeneDx Variant Classification Process June 2021. Collection method: clinical testing. Allele origin: germline. Affected: yes.
Comment: Not observed at significant frequency in large population cohorts (gnomAD); In silico analysis indicates that this missense variant does not alter protein structure/function; Has not been previously published as pathogenic or benign to our knowledge; This substitution is predicted to be within the C-terminal cytoplasmic domain

NM_172107.4(KCNQ2):c.2566G>A (p.Ala856Thr)

Gene: KCNQ2 (potassium voltage-gated channel subfamily Q member 2; minus strand). Cytogenetic location: 20q13.33.
Variant type: single nucleotide variant.
Coding change: c.2566G>A on transcript NM_172107.4 (MANE Select); coding-DNA position 2566, G replaced by A.
Protein change: p.Ala856Thr; replaces alanine 856 with threonine.
Molecular consequence: missense variant.
Genome position (GRCh38, 1-based): chr20:63,406,697, C>T on the plus strand (G>A on the coding strand, the complement: KCNQ2 is on the minus strand). VCF-style: chr20-63406697-C-T. GRCh37 (hg19) VCF-style: chr20-62038050-C-T.
Other names: c.2620G>A, p.Ala874Thr (NM_001382235.1); c.2482G>A, p.Ala828Thr (NM_004518.6); c.2512G>A, p.Ala838Thr (NM_172106.3); c.2473G>A, p.Ala825Thr (NM_172108.5); short protein forms A825T, A828T, A838T, A856T, A874T.
Identifiers: ClinVar variation 3776420 (VCV003776420.1).